The following is an entry in ClinVar:

ClinVar aggregate classification (germline): Uncertain significance. Review status: criteria provided, multiple submitters, no conflicts (2 of 4 stars). 2 submissions from 2 submitters: Uncertain significance (2). Last evaluated 2023-07-25.

Conditions:
Epilepsy, familial adult myoclonic, 5 (EPEO5). Also called: CORTICAL MYOCLONIC TREMOR WITH EPILEPSY, FAMILIAL, 5. Identifiers: Orphanet 86814, MedGen C3809374, MONDO:0014167, OMIM 615400.

Allele frequency attached by ClinVar (database versions not stated): gnomAD exomes below 0.00001; TOPMed 0.00001.

Submissions (2):

Labcorp Genetics (formerly Invitae), Labcorp
Classification: Uncertain significance for Epilepsy, familial adult myoclonic, 5. Last evaluated: 2023-07-25. Review status: criteria provided, single submitter. Criteria: Invitae Variant Classification Sherloc (09022015). Collection method: clinical testing. Allele origin: germline.
Comment: In summary, the available evidence is currently insufficient to determine the role of this variant in disease. Therefore, it has been classified as a Variant of Uncertain Significance. Advanced modeling of protein sequence and biophysical properties (such as structural, functional, and spatial information, amino acid conservation, physicochemical variation, residue mobility, and thermodynamic stability) performed at Invitae indicates that this missense variant is not expected to disrupt CNTN2 protein function. ClinVar contains an entry for this variant (Variation ID: 2555945). This variant has not been reported in the literature in individuals affected with CNTN2-related conditions. This variant is present in population databases (no rsID available, gnomAD 0.007%). This sequence change replaces alanine, which is neutral and non-polar, with threonine, which is neutral and polar, at codon 263 of the CNTN2 protein (p.Ala263Thr).

Ambry Genetics
Classification: Uncertain significance. Last evaluated: 2023-06-02. Review status: criteria provided, single submitter. Criteria: Ambry Variant Classification Scheme 2023. Collection method: clinical testing. Allele origin: germline.

NM_005076.5(CNTN2):c.787G>A (p.Ala263Thr)

Gene: CNTN2 (contactin 2; plus strand). Cytogenetic location: 1q32.1.
Variant type: single nucleotide variant.
Coding change: c.787G>A on transcript NM_005076.5 (MANE Select); coding-DNA position 787, G replaced by A.
Protein change: p.Ala263Thr; replaces alanine 263 with threonine.
Molecular consequence: missense variant. On other transcripts: non-coding transcript variant (1).
Genome position (GRCh38, 1-based): chr1:205,059,672, G>A. VCF-style: chr1-205059672-G-A. GRCh37 (hg19) VCF-style: chr1-205028800-G-A.
Other names: c.787G>A, p.Ala263Thr (NM_001346083.2); short protein forms A263T.
Identifiers: ClinVar variation 2555945 (VCV002555945.5), dbSNP rs1376470209, ClinGen allele CA344407685.